The following is an entry in ClinVar:

ClinVar aggregate classification (germline): Uncertain significance (1 of 4 stars; one submission).

Conditions:
Baller-Gerold syndrome (BGS). Also called: CRANIOSYNOSTOSIS WITH RADIAL DEFECTS. Identifiers: Orphanet 1225, MedGen C0265308, MONDO:0009039, OMIM 218600.

Submission:

Labcorp Genetics (formerly Invitae), Labcorp
Classification: Uncertain significance for Baller-Gerold syndrome. Last evaluated: 2022-11-03. Review status: criteria provided, single submitter. Criteria: Invitae Variant Classification Sherloc (09022015). Collection method: clinical testing. Allele origin: germline.
Comment: This sequence change replaces phenylalanine, which is neutral and non-polar, with leucine, which is neutral and non-polar, at codon 839 of the RECQL4 protein (p.Phe839Leu). This variant is not present in population databases (gnomAD no frequency). In summary, the available evidence is currently insufficient to determine the role of this variant in disease. Therefore, it has been classified as a Variant of Uncertain Significance. Advanced modeling of protein sequence and biophysical properties (such as structural, functional, and spatial information, amino acid conservation, physicochemical variation, residue mobility, and thermodynamic stability) performed at Invitae indicates that this missense variant is expected to disrupt RECQL4 protein function. This variant has not been reported in the literature in individuals affected with RECQL4-related conditions.

NM_004260.4(RECQL4):c.2517C>G (p.Phe839Leu)

Gene: RECQL4 (RecQ like helicase 4; minus strand). Cytogenetic location: 8q24.3.
Variant type: single nucleotide variant.
Coding change: c.2517C>G on transcript NM_004260.4 (MANE Select); coding-DNA position 2517, C replaced by G.
Protein change: p.Phe839Leu; replaces phenylalanine 839 with leucine.
Molecular consequence: missense variant. On other transcripts: non-coding transcript variant (3).
Genome position (GRCh38, 1-based): chr8:144,513,085, G>C on the plus strand (C>G on the coding strand, the complement: RECQL4 is on the minus strand). VCF-style: chr8-144513085-G-C. GRCh37 (hg19) VCF-style: chr8-145738468-G-C.
Other names: c.2223C>G, p.Phe741Leu (NM_001413017.1); c.2319C>G, p.Phe773Leu (NM_001413018.1); c.2517C>G, p.Phe839Leu (NM_001413019.1, NM_001413036.1); c.2421C>G, p.Phe807Leu (NM_001413020.1); c.1446C>G, p.Phe482Leu (NM_001413021.1, NM_001413022.1, NM_001413023.1 and 5 more transcripts); c.2388C>G, p.Phe796Leu (NM_001413025.1); c.1380C>G, p.Phe460Leu (NM_001413027.1, NM_001413030.1, NM_001413032.1 and 1 more transcripts); c.2166C>G, p.Phe722Leu (NM_001413029.1); and 6 more; short protein forms F416L, F460L, F773L, F795L, F839L, F722L, F741L, F796L.
Identifiers: ClinVar variation 2809818 (VCV002809818.3), dbSNP rs2130673158, ClinGen allele CA372677235.